The following is an entry in ClinVar:

ClinVar aggregate classification (germline): Uncertain significance (1 of 4 stars; one submission).

Conditions:
BAP1-related tumor predisposition syndrome (TPDS1). Also called: BAP1 tumor predisposition syndrome; TUMOR PREDISPOSITION SYNDROME 1; Tumor susceptibility linked to germline BAP1 mutations; COMMON Syndrome. Identifiers: Orphanet 289539, MedGen C3280492, MONDO:0013692, OMIM 614327.

Submission:

Labcorp Genetics (formerly Invitae), Labcorp
Classification: Uncertain significance for BAP1-related tumor predisposition syndrome. Last evaluated: 2025-05-05. Review status: criteria provided, single submitter. Criteria: Invitae Variant Classification Sherloc (09022015). Collection method: clinical testing. Allele origin: germline.
Comment: This sequence change replaces aspartic acid, which is acidic and polar, with alanine, which is neutral and non-polar, at codon 567 of the BAP1 protein (p.Asp567Ala). This variant is not present in population databases (gnomAD no frequency). This missense change has been observed in individual(s) with cutaneous melanoma (PMID: 27181379). Invitae Evidence Modeling of protein sequence and biophysical properties (such as structural, functional, and spatial information, amino acid conservation, physicochemical variation, residue mobility, and thermodynamic stability) indicates that this missense variant is not expected to disrupt BAP1 protein function with a negative predictive value of 80%. In summary, the available evidence is currently insufficient to determine the role of this variant in disease. Therefore, it has been classified as a Variant of Uncertain Significance.

Literature cited by the submitters: PubMed 27181379.

NM_004656.4(BAP1):c.1700A>C (p.Asp567Ala)

Gene: BAP1 (BRCA1 associated deubiquitinase 1; minus strand). Cytogenetic location: 3p21.1.
Variant type: single nucleotide variant.
Coding change: c.1700A>C on transcript NM_004656.4 (MANE Select); coding-DNA position 1700, A replaced by C.
Protein change: p.Asp567Ala; replaces aspartic acid 567 with alanine.
Molecular consequence: missense variant.
Genome position (GRCh38, 1-based): chr3:52,403,445, T>G on the plus strand (A>C on the coding strand, the complement: BAP1 is on the minus strand). VCF-style: chr3-52403445-T-G. GRCh37 (hg19) VCF-style: chr3-52437461-T-G.
Other names: c.1646A>C, p.Asp549Ala (NM_001410772.1); short protein forms D567A, D549A.
Identifiers: ClinVar variation 4739079 (VCV004739079.1).